The following is an entry in ClinVar:

NM_004006.3(DMD):c.689T>C (p.Met230Thr)

Gene: DMD (dystrophin; minus strand). Cytogenetic location: Xp21.1.
Variant type: single nucleotide variant.
Coding change: c.689T>C on transcript NM_004006.3 (MANE Select); coding-DNA position 689, T replaced by C.
Protein change: p.Met230Thr; replaces methionine 230 with threonine.
Molecular consequence: missense variant.
Genome position (GRCh38, 1-based): chrX:32,699,254, A>G on the plus strand (T>C on the coding strand, the complement: DMD is on the minus strand). VCF-style: chrX-32699254-A-G. GRCh37 (hg19) VCF-style: chrX-32717371-A-G.
Other names: c.665T>C, p.Met222Thr (NM_000109.4); c.677T>C, p.Met226Thr (NM_004009.3); c.320T>C, p.Met107Thr (NM_004010.3); short protein forms M222T, M226T, M107T, M230T.
Identifiers: ClinVar variation 1428278 (VCV001428278.5), dbSNP rs2147606547, ClinGen allele CA412669099.

ClinVar aggregate classification (germline): Uncertain significance (1 of 4 stars; one submission).

Conditions:
Duchenne muscular dystrophy (DMD). Also called: MUSCULAR DYSTROPHY, PSEUDOHYPERTROPHIC PROGRESSIVE, DUCHENNE TYPE; Duchenne Muscular Dystrophy (DMD). Identifiers: Orphanet 98896, MedGen C0013264, MONDO:0010679, OMIM 310200.

gnomAD v4.1: 1 of 1,209,699 alleles (0.000083%); highest among the groups gnomAD compares: African/African-American, 0.0017%; no homozygotes.

Submission:

Labcorp Genetics (formerly Invitae), Labcorp
Classification: Uncertain significance for Duchenne muscular dystrophy. Last evaluated: 2021-08-26. Review status: criteria provided, single submitter. Criteria: Invitae Variant Classification Sherloc (09022015). Collection method: clinical testing. Allele origin: germline.
Comment: This sequence change replaces methionine with threonine at codon 230 of the DMD protein (p.Met230Thr). The methionine residue is highly conserved and there is a moderate physicochemical difference between methionine and threonine. This variant is not present in population databases (ExAC no frequency). This variant has not been reported in the literature in individuals affected with DMD-related conditions. Algorithms developed to predict the effect of missense changes on protein structure and function (SIFT, PolyPhen-2, Align-GVGD) all suggest that this variant is likely to be disruptive. In summary, the available evidence is currently insufficient to determine the role of this variant in disease. Therefore, it has been classified as a Variant of Uncertain Significance.